The following is an entry in ClinVar:

NM_015164.4(PLEKHM2):c.2922+3A>G

Gene: PLEKHM2 (pleckstrin homology and RUN domain containing M2; plus strand). Cytogenetic location: 1p36.21.
Variant type: single nucleotide variant.
Coding change: c.2922+3A>G on transcript NM_015164.4 (MANE Select); 3 bases into the intron after coding-DNA position 2922, A replaced by G.
Molecular consequence: intron variant.
Genome position (GRCh38, 1-based): chr1:15,732,731, A>G. VCF-style: chr1-15732731-A-G. GRCh37 (hg19) VCF-style: chr1-16059226-A-G.
Identifiers: ClinVar variation 1451103 (VCV001451103.6), dbSNP rs2068164567, ClinGen allele CA998948482.

ClinVar aggregate classification (germline): Uncertain significance (1 of 4 stars; one submission).

Allele frequency attached by ClinVar (database versions not stated): gnomAD 0.00002; TOPMed 0.00008.
gnomAD v4.1: 4 of 1,588,388 alleles (0.00025%); highest among the groups gnomAD compares: Admixed American, 0.0052%; no homozygotes.

Submission:

Labcorp Genetics (formerly Invitae), Labcorp
Classification: Uncertain significance. Last evaluated: 2025-04-13. Review status: criteria provided, single submitter. Criteria: Invitae Variant Classification Sherloc (09022015). Collection method: clinical testing. Allele origin: germline.
Comment: This sequence change falls in intron 19 of the PLEKHM2 gene. It does not directly change the encoded amino acid sequence of the PLEKHM2 protein. It affects a nucleotide within the consensus splice site. This variant is not present in population databases (gnomAD no frequency). This variant has not been reported in the literature in individuals affected with PLEKHM2-related conditions. ClinVar contains an entry for this variant (Variation ID: 1451103). Variants that disrupt the consensus splice site are a relatively common cause of aberrant splicing (PMID: 17576681, 9536098). Algorithms developed to predict the effect of sequence changes on RNA splicing suggest that this variant may disrupt the consensus splice site. In summary, the available evidence is currently insufficient to determine the role of this variant in disease. Therefore, it has been classified as a Variant of Uncertain Significance.

Literature cited by the submitters: PubMed 17576681; PubMed 9536098.